The following is an entry in ClinVar:

ClinVar aggregate classification (germline): Uncertain significance (1 of 4 stars; one submission).

Submission:

Labcorp Genetics (formerly Invitae), Labcorp
Classification: Uncertain significance. Last evaluated: 2021-07-08. Review status: criteria provided, single submitter. Criteria: Invitae Variant Classification Sherloc (09022015). Collection method: clinical testing. Allele origin: germline.
Comment: In summary, the available evidence is currently insufficient to determine the role of this variant in disease. Therefore, it has been classified as a Variant of Uncertain Significance. This sequence change replaces isoleucine with threonine at codon 556 of the POLE protein (p.Ile556Thr). The isoleucine residue is highly conserved and there is a moderate physicochemical difference between isoleucine and threonine. This variant is not present in population databases (ExAC no frequency). This variant has not been reported in the literature in individuals affected with POLE-related conditions. Algorithms developed to predict the effect of missense changes on protein structure and function (SIFT, PolyPhen-2, Align-GVGD) all suggest that this variant is likely to be disruptive.

NM_006231.4(POLE):c.1667T>C (p.Ile556Thr)

Gene: POLE (DNA polymerase epsilon, catalytic subunit; minus strand). Cytogenetic location: 12q24.33.
Variant type: single nucleotide variant.
Coding change: c.1667T>C on transcript NM_006231.4 (MANE Select); coding-DNA position 1667, T replaced by C.
Protein change: p.Ile556Thr; replaces isoleucine 556 with threonine.
Molecular consequence: missense variant.
Genome position (GRCh38, 1-based): chr12:132,672,646, A>G on the plus strand (T>C on the coding strand, the complement: POLE is on the minus strand). VCF-style: chr12-132672646-A-G. GRCh37 (hg19) VCF-style: chr12-133249232-A-G.
Other names: short protein forms I556T.
Identifiers: ClinVar variation 1472242 (VCV001472242.8), dbSNP rs2135992849, ClinGen allele CA387356491.